The following is an entry in ClinVar:

ClinVar aggregate classification (germline): Uncertain significance. Review status: criteria provided, multiple submitters, no conflicts (2 of 4 stars). 5 submissions from 5 submitters: Uncertain significance (5). Last evaluated 2026-07-17.

Conditions:
HOXB13-related disorder. Also called: HOXB13-related disorders; HOXB13-related condition.
Hereditary cancer-predisposing syndrome. Also called: Neoplastic Syndromes, Hereditary; Hereditary Cancer Syndrome; Tumor predisposition; Hereditary neoplastic syndrome. Identifiers: Orphanet 140162, MedGen C0027672, MeSH D009386, MONDO:0015356.

Allele frequency attached by ClinVar (database versions not stated): TOPMed 0.00002; 1000 Genomes Project 30x 0.00016; 1000 Genomes Project 0.00020; ExAC 0.00002.
gnomAD v4.1: 110 of 1,611,848 alleles (0.0068%); highest among the groups gnomAD compares: Non-Finnish European, 0.0087%; no homozygotes.

Submissions (5):

PreventionGenetics, part of Exact Sciences
Classification: Uncertain significance for HOXB13-related condition. Last evaluated: 2026-07-17. Review status: criteria provided, single submitter. Criteria: ACMG Guidelines, 2015. Collection method: clinical testing. Allele origin: germline.
Comment: The HOXB13 c.7C>A variant is predicted to result in the amino acid substitution p.Pro3Thr. To our knowledge, this variant has not been reported in the literature. This variant is reported in 0.013% of alleles in individuals of South Asian descent in gnomAD. This variant is interpreted as uncertain in ClinVar (Variation ID: 483496). At this time, the clinical significance of this variant is uncertain due to the absence of conclusive functional and genetic evidence.

Labcorp Genetics (formerly Invitae), Labcorp
Classification: Uncertain significance. Last evaluated: 2026-01-12. Review status: criteria provided, single submitter. Criteria: Invitae Variant Classification Sherloc (09022015). Collection method: clinical testing. Allele origin: germline.
Comment: This sequence change replaces proline, which is neutral and non-polar, with threonine, which is neutral and polar, at codon 3 of the HOXB13 protein (p.Pro3Thr). This variant is present in population databases (rs546307661, gnomAD 0.01%). This variant has not been reported in the literature in individuals affected with HOXB13-related conditions. ClinVar contains an entry for this variant (Variation ID: 483496). An algorithm developed to predict the effect of missense changes on protein structure and function (PolyPhen-2) suggests that this variant is likely to be tolerated. In summary, the available evidence is currently insufficient to determine the role of this variant in disease. Therefore, it has been classified as a Variant of Uncertain Significance.

Ambry Genetics
Classification: Uncertain significance for Hereditary cancer-predisposing syndrome. Last evaluated: 2025-09-26. Review status: criteria provided, single submitter. Criteria: Ambry Variant Classification Scheme 2023. Collection method: clinical testing. Allele origin: germline.
Comment: The p.P3T variant (also known as c.7C>A), located in coding exon 1 of the HOXB13 gene, results from a C to A substitution at nucleotide position 7. The proline at codon 3 is replaced by threonine, an amino acid with highly similar properties. This amino acid position is not well conserved in available vertebrate species. In addition, this alteration is predicted to be tolerated by in silico analysis. Since supporting evidence is limited at this time, the clinical significance of this alteration remains unclear.

Quest Diagnostics Nichols Institute San Juan Capistrano
Classification: Uncertain significance. Last evaluated: 2025-08-07. Review status: criteria provided, single submitter. Criteria: Quest Diagnostics criteria. Collection method: clinical testing. Allele origin: unknown.
Comment: The HOXB13 c.7C>A (p.Pro3Thr) variant, to the best of our knowledge, has not been reported as a germline variant in individuals with HOXB13-related conditions in the published literature. The frequency of this variant in the general population (Genome Aggregation Database) is higher than would generally be expected for pathogenic variants in this gene. Analysis of this variant using bioinformatics tools for the prediction of the effect of amino acid changes on protein structure and function yielded predictions that this variant is benign. Based on the available information, we are unable to determine the clinical significance of this variant.

GeneDx
Classification: Uncertain significance. Last evaluated: 2023-08-03. Review status: criteria provided, single submitter. Criteria: GeneDx Variant Classification Process June 2021. Collection method: clinical testing. Allele origin: germline. Affected: yes.
Comment: Not observed at significant frequency in large population cohorts (gnomAD); In silico analysis supports that this missense variant does not alter protein structure/function; Has not been previously published as pathogenic or benign to our knowledge

Literature cited by the submitters: PubMed 28272408 (cited by Quest Diagnostics Nichols Institute San Juan Capistrano).

NM_006361.6(HOXB13):c.7C>A (p.Pro3Thr)

Gene: HOXB13 (homeobox B13; minus strand). Cytogenetic location: 17q21.32.
Variant type: single nucleotide variant.
Coding change: c.7C>A on transcript NM_006361.6 (MANE Select); coding-DNA position 7, C replaced by A.
Protein change: p.Pro3Thr; replaces proline 3 with threonine.
Molecular consequence: missense variant.
Genome position (GRCh38, 1-based): chr17:48,728,587, G>T on the plus strand (C>A on the coding strand, the complement: HOXB13 is on the minus strand). VCF-style: chr17-48728587-G-T. GRCh37 (hg19) VCF-style: chr17-46805949-G-T.
Other names: short protein forms P3T.
Identifiers: ClinVar variation 483496 (VCV000483496.16), dbSNP rs546307661, ClinGen allele CA8634079.